The following is an entry in ClinVar:

NM_015662.3(IFT172):c.184-11del

Gene: IFT172 (intraflagellar transport 172; minus strand). Cytogenetic location: 2p23.3.
Variant type: Deletion.
Coding change: c.184-11del on transcript NM_015662.3 (MANE Select); 11 bases into the intron before coding-DNA position 184, one base deleted (T; older notation c.184-11delT).
Molecular consequence: intron variant.
Genome position (GRCh38, 1-based): chr2:27,485,141, A deleted on the plus strand (T on the coding strand, the reverse complement: IFT172 is on the minus strand); the first of 13 consecutive A bases (chr2:27,485,141-27,485,153); deleting any one gives the same sequence. VCF-style (leftmost placement, unchanged base first): chr2-27485140-TA-T. GRCh37 (hg19) VCF-style: chr2-27708007-TA-T.
Other names: p.?; c.184-11del (NM_001410739.1).
Identifiers: ClinVar variation 4684555 (VCV004684555.2).

ClinVar aggregate classification (germline): Benign. Review status: criteria provided, multiple submitters, no conflicts (2 of 4 stars). 2 submissions from 2 submitters: Benign (2). Last evaluated 2025-10-26.

Conditions:
Short-rib thoracic dysplasia 10 with or without polydactyly (SRTD10). Identifiers: Orphanet 474, MedGen C3810175, MONDO:0014284, OMIM 615630.
Retinitis pigmentosa 71 (RP71). Identifiers: Orphanet 791, MedGen C4225342, MONDO:0014618, OMIM 616394.

Submissions (2):

Labcorp Genetics (formerly Invitae), Labcorp
Classification: Benign for Retinitis pigmentosa 71; Short-rib thoracic dysplasia 10 with or without polydactyly. Last evaluated: 2025-10-26. Review status: criteria provided, single submitter. Criteria: Invitae Variant Classification Sherloc (09022015). Collection method: clinical testing. Allele origin: germline.

Mayo Clinic Laboratories, Mayo Clinic
Classification: Benign. Last evaluated: 2022-11-16. Review status: criteria provided, single submitter. Criteria: ACMG Guidelines, 2015. Collection method: clinical testing. Allele origin: germline. Observed: 35 variant alleles.
Comment: BA1, BP4, BP7